The following is an entry in ClinVar:

ClinVar aggregate classification (germline): Uncertain significance (0 of 4 stars; one submission).

Conditions:
NCOA1-related disorder. Also called: NCOA1-related condition.

Allele frequency attached by ClinVar (database versions not stated): gnomAD 0.00001; gnomAD exomes 0.00005; TOPMed 0.00005; ExAC 0.00008.
gnomAD v4.1: 29 of 1,614,092 alleles (0.0018%); highest among the groups gnomAD compares: Admixed American, 0.047%; no homozygotes.

Submission:

PreventionGenetics, part of Exact Sciences
Classification: Uncertain significance for NCOA1-related condition. Last evaluated: 2024-05-24. Review status: no assertion criteria provided. Collection method: clinical testing. Allele origin: germline.
Comment: The NCOA1 c.2270A>G variant is predicted to result in the amino acid substitution p.Glu757Gly. To our knowledge, this variant has not been reported in the literature. This variant is reported in 0.052% of alleles in individuals of Latino descent in gnomAD, which may be too frequent for an unreported pathogenic variant. Although we suspect that this variant may be benign, at this time, the clinical significance of this variant is uncertain due to the absence of conclusive functional and genetic evidence.

NM_003743.5(NCOA1):c.2270A>G (p.Glu757Gly)

Gene: NCOA1 (nuclear receptor coactivator 1; plus strand). Cytogenetic location: 2p23.3.
Variant type: single nucleotide variant.
Coding change: c.2270A>G on transcript NM_003743.5 (MANE Select); coding-DNA position 2270, A replaced by G.
Protein change: p.Glu757Gly; replaces glutamic acid 757 with glycine.
Molecular consequence: missense variant.
Genome position (GRCh38, 1-based): chr2:24,707,740, A>G. VCF-style: chr2-24707740-A-G. GRCh37 (hg19) VCF-style: chr2-24930609-A-G.
Other names: c.2270A>G, p.Glu757Gly (NM_001362950.1, NM_001362952.1, NM_001362954.1 and 3 more transcripts); short protein forms E757G.
Identifiers: ClinVar variation 2634111 (VCV002634111.3), dbSNP rs778575553, ClinGen allele CA1552372.